The following is an entry in ClinVar:

ClinVar aggregate classification (germline): Uncertain significance (1 of 4 stars; one submission).

Conditions:
Cardiovascular phenotype. Identifiers: MedGen CN230736.

gnomAD v4.1: 9 of 1,542,260 alleles (0.00058%); highest among the groups gnomAD compares: East Asian, 0.015%; no homozygotes.

Submission:

Ambry Genetics
Classification: Uncertain significance for Cardiovascular phenotype. Last evaluated: 2024-09-08. Review status: criteria provided, single submitter. Criteria: Ambry Variant Classification Scheme 2023. Collection method: clinical testing. Allele origin: germline.
Comment: The p.H655D variant (also known as c.1963C>G), located in coding exon 1 of the ZNF469 gene, results from a C to G substitution at nucleotide position 1963. The histidine at codon 655 is replaced by aspartic acid, an amino acid with similar properties. This amino acid position is conserved. In addition, this alteration is predicted to be tolerated by in silico analysis. Since supporting evidence is limited at this time, the clinical significance of this alteration remains unclear.

NM_001367624.2(ZNF469):c.1963C>G (p.His655Asp)

Gene: ZNF469 (zinc finger protein 469; plus strand). Cytogenetic location: 16q24.2.
Variant type: single nucleotide variant.
Coding change: c.1963C>G on transcript NM_001367624.2 (MANE Select); coding-DNA position 1963, C replaced by G.
Protein change: p.His655Asp; replaces histidine 655 with aspartic acid.
Molecular consequence: missense variant.
Genome position (GRCh38, 1-based): chr16:88,429,433, C>G. VCF-style: chr16-88429433-C-G. GRCh37 (hg19) VCF-style: chr16-88495841-C-G.
Other names: NM_001127464.1:c.1963C>G; short protein forms H655D.
Identifiers: ClinVar variation 3232763 (VCV003232763.2), dbSNP rs1160837657, ClinGen allele CA397069368.